The following is an entry in ClinVar:

ClinVar aggregate classification (germline): Uncertain significance (1 of 4 stars; one submission).

Conditions:
Breast-ovarian cancer, familial, susceptibility to, 4. Identifiers: Orphanet 145, MedGen C3280345, MONDO:0013669, OMIM 614291.

Submission:

Labcorp Genetics (formerly Invitae), Labcorp
Classification: Uncertain significance for Breast-ovarian cancer, familial, susceptibility to, 4. Last evaluated: 2024-04-29. Review status: criteria provided, single submitter. Criteria: Invitae Variant Classification Sherloc (09022015). Collection method: clinical testing. Allele origin: germline.
Comment: This sequence change replaces serine, which is neutral and polar, with arginine, which is basic and polar, at codon 269 of the RAD51D protein (p.Ser269Arg). This variant is not present in population databases (gnomAD no frequency). This variant has not been reported in the literature in individuals affected with RAD51D-related conditions. Advanced modeling of protein sequence and biophysical properties (such as structural, functional, and spatial information, amino acid conservation, physicochemical variation, residue mobility, and thermodynamic stability) performed at Invitae indicates that this missense variant is not expected to disrupt RAD51D protein function with a negative predictive value of 80%. In summary, the available evidence is currently insufficient to determine the role of this variant in disease. Therefore, it has been classified as a Variant of Uncertain Significance.

NM_002878.4(RAD51D):c.807C>G (p.Ser269Arg)

Genes: RAD51L3-RFFL (RAD51L3-RFFL readthrough; minus strand), RAD51D (RAD51 paralog D; minus strand). Cytogenetic location: 17q12.
Variant type: single nucleotide variant.
Coding change: c.807C>G on transcript NM_002878.4 (MANE Select); coding-DNA position 807, C replaced by G.
Protein change: p.Ser269Arg; replaces serine 269 with arginine.
Molecular consequence: missense variant. On other transcripts: non-coding transcript variant (3).
Genome position (GRCh38, 1-based): chr17:35,101,297, G>C on the plus strand (C>G on the coding strand, the complement: RAD51D is on the minus strand). VCF-style: chr17-35101297-G-C. GRCh37 (hg19) VCF-style: chr17-33428316-G-C.
Other names: c.867C>G, p.Ser289Arg (NM_001142571.2); c.471C>G, p.Ser157Arg (NM_133629.3); short protein forms S269R, S289R, S157R.
Identifiers: ClinVar variation 3651423 (VCV003651423.2).
Genomic context (GRCh38, chr17:35,101,297, plus strand): 5'-GCCGCCTGATGCTCCTGCTCCCTCGATGGTGTCCAGGAGAATCCGAGTGCTGGGCACAAA[G>C]CTCCAGGAGCGTCCGAGGGCAGGTTTGAGCCTCCCGCTGTCCCTGTCTCGAGTTATGTGG-3'
Protein context (NP_002869.3, residues 259-279): RLKPALGRSW[Ser269Arg]FVPSTRILLD